The following is an entry in ClinVar:

ClinVar aggregate classification (germline): Likely benign (1 of 4 stars; one submission).

Conditions:
NOTCH2-related disorder. Also called: NOTCH2-related condition.

Submission:

PreventionGenetics, part of Exact Sciences
Classification: Likely benign for NOTCH2-related condition. Last evaluated: 2024-10-16. Review status: criteria provided, single submitter. Criteria: ACMG Guidelines, 2015. Collection method: clinical testing. Allele origin: germline.
Comment: This variant is classified as likely benign based on ACMG/AMP sequence variant interpretation guidelines (Richards et al. 2015 PMID: 25741868, with internal and published modifications).

NM_024408.4(NOTCH2):c.2343T>C (p.Cys781=)

Gene: NOTCH2 (notch receptor 2; minus strand). Cytogenetic location: 1p12.
Variant type: single nucleotide variant.
Coding change: c.2343T>C on transcript NM_024408.4 (MANE Select); coding-DNA position 2343, T replaced by C.
Protein change: p.Cys781=; no amino-acid change (cysteine 781 retained).
Molecular consequence: synonymous variant.
Genome position (GRCh38, 1-based): chr1:119,953,565, A>G on the plus strand (T>C on the coding strand, the complement: NOTCH2 is on the minus strand). VCF-style: chr1-119953565-A-G. GRCh37 (hg19) VCF-style: chr1-120496188-A-G.
Other names: c.2343T>C, p.Cys781= (NM_001200001.2).
Identifiers: ClinVar variation 5001455 (VCV005001455.1).